The following is an entry in ClinVar:

NM_000051.4(ATM):c.4515C>T (p.Ala1505=)

Gene: ATM (ATM serine/threonine kinase; plus strand). Cytogenetic location: 11q22.3.
Variant type: single nucleotide variant.
Coding change: c.4515C>T on transcript NM_000051.4 (MANE Select); coding-DNA position 4515, C replaced by T.
Protein change: p.Ala1505=; no amino-acid change (alanine 1505 retained).
Molecular consequence: synonymous variant.
Genome position (GRCh38, 1-based): chr11:108,292,697, C>T. VCF-style: chr11-108292697-C-T. GRCh37 (hg19) VCF-style: chr11-108163424-C-T.
Other names: c.4515C>T, p.Ala1505= (NM_001351834.2).
Identifiers: ClinVar variation 184538 (VCV000184538.42), dbSNP rs540798997, ClinGen allele CA189246.

ClinVar aggregate classification (germline): Benign/Likely benign. Review status: criteria provided, multiple submitters, no conflicts (2 of 4 stars). 5 submissions from 5 submitters: Benign (1); Likely benign (4). Last evaluated 2025-09-16.

Conditions:
Hereditary cancer-predisposing syndrome. Also called: Tumor predisposition; Neoplastic Syndromes, Hereditary; Hereditary Cancer Syndrome; Hereditary neoplastic syndrome. Identifiers: Orphanet 140162, MedGen C0027672, MeSH D009386, MONDO:0015356.
Familial cancer of breast. Also called: hereditary breast carcinoma; BREAST CANCER, FAMILIAL; Hereditary breast cancer. Identifiers: Orphanet 227535, MedGen C0346153, MONDO:0016419, OMIM 114480. Disease mechanism: loss of function.
Ataxia-telangiectasia syndrome (AT). Also called: LOUIS-BAR SYNDROME; Ataxia-telangiectasia, complementation group D; Ataxia telangiectasia (A-T); AT, COMPLEMENTATION GROUP C; ATAXIA-TELANGIECTASIA, COMPLEMENTATION GROUP A; ATAXIA-TELANGIECTASIA, FRESNO VARIANT. Identifiers: Orphanet 100, MedGen C0004135, MONDO:0008840, OMIM 208900.

Allele frequency attached by ClinVar (database versions not stated): 1000 Genomes Project 30x 0.00031; ExAC 0.00001; gnomAD 0.00001; gnomAD exomes 0.00001; 1000 Genomes Project 0.00020.
gnomAD v4.1: 18 of 1,613,790 alleles (0.0011%); highest among the groups gnomAD compares: South Asian, 0.0099%; no homozygotes.

Submissions (5):

Labcorp Genetics (formerly Invitae), Labcorp
Classification: Likely benign for Ataxia-telangiectasia syndrome. Last evaluated: 2025-09-16. Review status: criteria provided, single submitter. Criteria: Invitae Variant Classification Sherloc (09022015). Collection method: clinical testing. Allele origin: germline.

Myriad Genetics, Inc.
Classification: Benign for Familial cancer of breast. Last evaluated: 2024-05-20. Review status: criteria provided, single submitter. Criteria: Myriad Autosomal Dominant, Autosomal Recessive and X-Linked Classification Criteria (2023). Collection method: clinical testing. Allele origin: unknown.
Comment: This variant is considered benign. This variant is a silent/synonymous amino acid change and it is not expected to impact splicing.

CeGaT Center for Human Genetics Tuebingen
Classification: Likely benign. Last evaluated: 2023-08-01. Review status: criteria provided, single submitter. Criteria: CeGaT Center For Human Genetics Tuebingen Variant Classification Criteria Version 2. Collection method: clinical testing. Allele origin: germline. Affected: yes. Observed: 1 variant allele.
Comment: ATM: BP4, BP7

Color Diagnostics, LLC DBA Color Health
Classification: Likely benign for Hereditary cancer-predisposing syndrome. Last evaluated: 2016-07-27. Review status: criteria provided, single submitter. Criteria: ACMG Guidelines, 2015. Collection method: clinical testing. Allele origin: germline.

Ambry Genetics
Classification: Likely benign for Hereditary cancer-predisposing syndrome. Last evaluated: 2015-01-30. Review status: criteria provided, single submitter. Criteria: Ambry Variant Classification Scheme 2023. Collection method: clinical testing. Allele origin: germline.